The following is an entry in ClinVar:

ClinVar aggregate classification (germline): Pathogenic/Likely pathogenic. Review status: criteria provided, multiple submitters, no conflicts (2 of 4 stars). 4 submissions from 4 submitters: Pathogenic (2); Likely pathogenic (2). Last evaluated 2026-08-03.

Conditions:
Hydrocephalus, nonsyndromic, autosomal recessive 2. Also called: Hydrocephalus, congenital, 2, with or without brain or eye anomalies. Identifiers: Orphanet 2185, MedGen C3554691, MONDO:0014085, OMIM 615219.
MPDZ-related disorder. Also called: MPDZ-related condition.

Allele frequency attached by ClinVar (database versions not stated): gnomAD 0.00001; gnomAD exomes 0.00002; ExAC 0.00003; TOPMed 0.00003; 1000 Genomes Project 30x 0.00016; 1000 Genomes Project 0.00020.

Submissions (4):

Department of Medical Genetics, Jagiellonian University Medical College
Classification: Pathogenic for Hydrocephalus, nonsyndromic, autosomal recessive 2. Last evaluated: 2026-08-03. Review status: criteria provided, single submitter. Criteria: ACMG Guidelines, 2015. Collection method: research. Allele origin: inherited. Inheritance: Autosomal recessive inheritance. Affected: yes.

Labcorp Genetics (formerly Invitae), Labcorp
Classification: Pathogenic. Last evaluated: 2025-11-17. Review status: criteria provided, single submitter. Criteria: Invitae Variant Classification Sherloc (09022015). Collection method: clinical testing. Allele origin: germline.
Comment: This sequence change creates a premature translational stop signal (p.Arg633*) in the MPDZ gene. It is expected to result in an absent or disrupted protein product. Loss-of-function variants in MPDZ are known to be pathogenic (PMID: 23240096, 28556411). The frequency data for this variant in the population databases is considered unreliable, as metrics indicate poor data quality at this position in the gnomAD database. This variant has not been reported in the literature in individuals affected with MPDZ-related conditions. ClinVar contains an entry for this variant (Variation ID: 1428231). For these reasons, this variant has been classified as Pathogenic.

Blueprint Genetics
Classification: Likely pathogenic for MPDZ-related disorders. Last evaluated: 2024-09-25. Review status: criteria provided, single submitter. Criteria: ACMG Guidelines, 2015. Collection method: clinical testing. Allele origin: germline. Affected: yes. Observed: 5 variant alleles.

PreventionGenetics, part of Exact Sciences
Classification: Likely pathogenic for MPDZ-related condition. Last evaluated: 2023-08-09. Review status: criteria provided, single submitter. Criteria: ACMG Guidelines, 2015. Collection method: clinical testing. Allele origin: germline.
Comment: The MPDZ c.1897C>T variant is predicted to result in premature protein termination (p.Arg633*). To our knowledge, this variant has not been reported in the literature. This variant is reported in 0.0033% of alleles in individuals of South Asian descent in gnomAD. Nonsense variants in MPDZ are expected to be pathogenic. This variant is interpreted as likely pathogenic.

Literature cited by the submitters: PubMed 23240096 (cited by Labcorp Genetics (formerly Invitae), Labcorp); PubMed 28556411 (cited by Labcorp Genetics (formerly Invitae), Labcorp).

NM_001378778.1(MPDZ):c.1897C>T (p.Arg633Ter)

Gene: MPDZ (multiple PDZ domain crumbs cell polarity complex component; minus strand). Cytogenetic location: 9p23.
Variant type: single nucleotide variant.
Coding change: c.1897C>T on transcript NM_001378778.1 (MANE Select); coding-DNA position 1897, C replaced by T.
Protein change: p.Arg633Ter; replaces arginine 633 with a stop codon.
Molecular consequence: nonsense.
Genome position (GRCh38, 1-based): chr9:13,192,202, G>A on the plus strand (C>T on the coding strand, the complement: MPDZ is on the minus strand). VCF-style: chr9-13192202-G-A. GRCh37 (hg19) VCF-style: chr9-13192201-G-A.
Other names: c.1897C>T, p.Arg633Ter (NM_001261406.2, NM_001261407.2, NM_001330637.2 and 14 more transcripts); c.1897C>T (NM_003829.4); short protein forms R633*.
Identifiers: ClinVar variation 1428231 (VCV001428231.8), dbSNP rs200955619, ClinGen allele CA4987639.